The following is an entry in ClinVar:

ClinVar aggregate classification (germline): Conflicting classifications of pathogenicity. Review status: criteria provided, conflicting classifications (1 of 4 stars). 3 submissions from 3 submitters: Uncertain significance (2); Benign (1). Last evaluated 2023-07-11.

Conditions:
Inborn genetic diseases. Identifiers: MedGen C0950123, MeSH D030342.
Spinocerebellar ataxia, autosomal recessive, with axonal neuropathy 2 (SCAN2). Also called: ATAXIA-OCULOMOTOR APRAXIA 2; Ataxia-ocular apraxia-2; Ataxia with Oculomotor Apraxia Type 2; Ataxia with Oculomotor Apraxia. Identifiers: Orphanet 64753, MedGen C1853761, MONDO:0018996, OMIM 606002.
Amyotrophic lateral sclerosis type 4 (ALS4). Also called: AMYOTROPHIC LATERAL SCLEROSIS 4, JUVENILE; NEURONOPATHY, DISTAL HEREDITARY MOTOR, WITH PYRAMIDAL FEATURES. Identifiers: Orphanet 357043, MedGen C1865409, MONDO:0011223, OMIM 602433.

Allele frequency attached by ClinVar (database versions not stated): gnomAD 0.00001; gnomAD exomes 0.00002; TOPMed 0.00002; ExAC 0.00003; ESP Exome Variant Server 0.00008.
gnomAD v4.1: 35 of 1,613,962 alleles (0.0022%); highest among the groups gnomAD compares: Admixed American, 0.005%; no homozygotes.

Submissions (3):

Athena Diagnostics
Classification: Uncertain significance. Last evaluated: 2023-07-11. Review status: criteria provided, single submitter. Criteria: Athena Diagnostics Criteria. Collection method: clinical testing. Allele origin: unknown.
Comment: Available data are insufficient to determine the clinical significance of the variant at this time. The frequency of this variant in the general population is uninformative in assessment of its pathogenicity. Computational tools predict that this variant is not damaging.

Labcorp Genetics (formerly Invitae), Labcorp
Classification: Benign for Amyotrophic lateral sclerosis type 4; Spinocerebellar ataxia, autosomal recessive, with axonal neuropathy 2. Last evaluated: 2023-07-06. Review status: criteria provided, single submitter. Criteria: Invitae Variant Classification Sherloc (09022015). Collection method: clinical testing. Allele origin: germline.

Ambry Genetics
Classification: Uncertain significance for Inborn genetic diseases. Last evaluated: 2022-06-15. Review status: criteria provided, single submitter. Criteria: Ambry Variant Classification Scheme 2023. Collection method: clinical testing. Allele origin: germline.
Comment: The p.I81V variant (also known as c.241A>G), located in coding exon 2 of the SETX gene, results from an A to G substitution at nucleotide position 241. The isoleucine at codon 81 is replaced by valine, an amino acid with highly similar properties. This amino acid position is not well conserved in available vertebrate species, and valine is the reference amino acid in other vertebrate species. In addition, this alteration is predicted to be tolerated by in silico analysis. Based on the supporting evidence, this variant is unlikely to be causative of juvenile amyotrophic lateral sclerosis 4 (ALS4); however, its contribution to the development of spinocerebellar ataxia with axonal neuropathy 2 (SCAN2) is uncertain.

NM_015046.7(SETX):c.241A>G (p.Ile81Val)

Gene: SETX (senataxin; minus strand). Cytogenetic location: 9q34.13.
Variant type: single nucleotide variant.
Coding change: c.241A>G on transcript NM_015046.7 (MANE Select); coding-DNA position 241, A replaced by G.
Protein change: p.Ile81Val; replaces isoleucine 81 with valine.
Molecular consequence: missense variant.
Genome position (GRCh38, 1-based): chr9:132,346,408, T>C on the plus strand (A>G on the coding strand, the complement: SETX is on the minus strand). VCF-style: chr9-132346408-T-C. GRCh37 (hg19) VCF-style: chr9-135221795-T-C.
Other names: c.241A>G, p.Ile81Val (NM_001351527.2, NM_001351528.2); short protein forms I81V.
Identifiers: ClinVar variation 1790987 (VCV001790987.6), dbSNP rs371166895, ClinGen allele CA5298099.